The following is an entry in ClinVar:

NM_001042492.3(NF1):c.7945G>T (p.Val2649Leu)

Gene: NF1 (neurofibromin 1; plus strand). Cytogenetic location: 17q11.2.
Variant type: single nucleotide variant.
Coding change: c.7945G>T on transcript NM_001042492.3 (MANE Select); coding-DNA position 7945, G replaced by T.
Protein change: p.Val2649Leu; replaces valine 2649 with leucine.
Molecular consequence: missense variant.
Genome position (GRCh38, 1-based): chr17:31,357,344, G>T. VCF-style: chr17-31357344-G-T. GRCh37 (hg19) VCF-style: chr17-29684362-G-T.
Other names: c.7882G>T, p.Val2628Leu (NM_000267.4); short protein forms V2628L, V2649L.
Identifiers: ClinVar variation 3237961 (VCV003237961.1), dbSNP rs1555536761.

ClinVar aggregate classification (germline): Uncertain significance (1 of 4 stars; one submission).

Conditions:
Hereditary cancer-predisposing syndrome. Also called: Neoplastic Syndromes, Hereditary; Tumor predisposition; Hereditary neoplastic syndrome; Hereditary Cancer Syndrome. Identifiers: Orphanet 140162, MedGen C0027672, MeSH D009386, MONDO:0015356.
Cardiovascular phenotype. Identifiers: MedGen CN230736.

Submission:

Ambry Genetics
Classification: Uncertain significance for Cardiovascular phenotype; Hereditary cancer-predisposing syndrome. Last evaluated: 2024-02-28. Review status: criteria provided, single submitter. Criteria: Ambry Variant Classification Scheme 2023. Collection method: clinical testing. Allele origin: germline.
Comment: The p.V2628L variant (also known as c.7882G>T), located in coding exon 53 of the NF1 gene, results from a G to T substitution at nucleotide position 7882. The valine at codon 2628 is replaced by leucine, an amino acid with highly similar properties. This amino acid position is highly conserved in available vertebrate species. In addition, the in silico prediction for this alteration is inconclusive. Based on the available evidence, the clinical significance of this alteration remains unclear.